The following is an entry in ClinVar:

ClinVar aggregate classification (germline): Uncertain significance (1 of 4 stars; one submission).

Allele frequency attached by ClinVar (database versions not stated): TOPMed 0.00003.
gnomAD v4.1: 33 of 1,596,856 alleles (0.0021%); highest among the groups gnomAD compares: African/African-American, 0.0094%; no homozygotes.

Submission:

Labcorp Genetics (formerly Invitae), Labcorp
Classification: Uncertain significance. Last evaluated: 2023-03-30. Review status: criteria provided, single submitter. Criteria: Invitae Variant Classification Sherloc (09022015). Collection method: clinical testing. Allele origin: germline.
Comment: In summary, the available evidence is currently insufficient to determine the role of this variant in disease. Therefore, it has been classified as a Variant of Uncertain Significance. An algorithm developed to predict the effect of missense changes on protein structure and function (PolyPhen-2) suggests that this variant is likely to be disruptive. This variant has not been reported in the literature in individuals affected with AHDC1-related conditions. The frequency data for this variant in the population databases is considered unreliable, as metrics indicate poor data quality at this position in the gnomAD database. This sequence change replaces arginine, which is basic and polar, with histidine, which is basic and polar, at codon 464 of the AHDC1 protein (p.Arg464His).

NM_001371928.1(AHDC1):c.1391G>A (p.Arg464His)

Gene: AHDC1 (AT-hook DNA binding motif containing 1; minus strand). Cytogenetic location: 1p36.11.
Variant type: single nucleotide variant.
Coding change: c.1391G>A on transcript NM_001371928.1 (MANE Select); coding-DNA position 1391, G replaced by A.
Protein change: p.Arg464His; replaces arginine 464 with histidine.
Molecular consequence: missense variant.
Genome position (GRCh38, 1-based): chr1:27,550,725, C>T on the plus strand (G>A on the coding strand, the complement: AHDC1 is on the minus strand). VCF-style: chr1-27550725-C-T. GRCh37 (hg19) VCF-style: chr1-27877236-C-T.
Other names: c.1391G>A, p.Arg464His (NM_001029882.3); short protein forms R464H.
Identifiers: ClinVar variation 2725407 (VCV002725407.3), dbSNP rs750672480, ClinGen allele CA715951.